The following is an entry in ClinVar:

ClinVar aggregate classification (germline): Uncertain significance (1 of 4 stars; one submission).

Conditions:
Propionic acidemia (PROP). Also called: GLYCINEMIA, KETOTIC; HYPERGLYCINEMIA WITH KETOACIDOSIS AND LEUKOPENIA; KETOTIC HYPERGLYCINEMIA. Identifiers: Orphanet 35, MedGen C0268579, MONDO:0011628, OMIM 606054, HP:0003571.

Submission:

Labcorp Genetics (formerly Invitae), Labcorp
Classification: Uncertain significance for Propionic acidemia. Last evaluated: 2025-10-03. Review status: criteria provided, single submitter. Criteria: Invitae Variant Classification Sherloc (09022015). Collection method: clinical testing. Allele origin: germline.
Comment: This sequence change replaces threonine, which is neutral and polar, with isoleucine, which is neutral and non-polar, at codon 571 of the PCCA protein (p.Thr571Ile). This variant is not present in population databases (gnomAD no frequency). This variant has not been reported in the literature in individuals affected with PCCA-related conditions. Invitae Evidence Modeling of protein sequence and biophysical properties (such as structural, functional, and spatial information, amino acid conservation, physicochemical variation, residue mobility, and thermodynamic stability) indicates that this missense variant is not expected to disrupt PCCA protein function with a negative predictive value of 95%. In summary, the available evidence is currently insufficient to determine the role of this variant in disease. Therefore, it has been classified as a Variant of Uncertain Significance.

NM_000282.4(PCCA):c.1712C>T (p.Thr571Ile)

Gene: PCCA (propionyl-CoA carboxylase subunit alpha; plus strand). Cytogenetic location: 13q32.3.
Variant type: single nucleotide variant.
Coding change: c.1712C>T on transcript NM_000282.4 (MANE Select); coding-DNA position 1712, C replaced by T.
Protein change: p.Thr571Ile; replaces threonine 571 with isoleucine.
Molecular consequence: missense variant. On other transcripts: non-coding transcript variant (2).
Genome position (GRCh38, 1-based): chr13:100,368,540, C>T. VCF-style: chr13-100368540-C-T. GRCh37 (hg19) VCF-style: chr13-101020794-C-T.
Other names: c.1634C>T, p.Thr545Ile (NM_001127692.3, NM_001352607.2); c.1712C>T, p.Thr571Ile (NM_001178004.2, NM_001352605.2, NM_001352609.2); c.1568C>T, p.Thr523Ile (NM_001352606.2); c.1490C>T, p.Thr497Ile (NM_001352608.2); c.767C>T, p.Thr256Ile (NM_001352610.2, NM_001352611.2); c.623C>T, p.Thr208Ile (NM_001352612.2); short protein forms T256I, T497I, T545I, T208I, T523I, T571I.
Identifiers: ClinVar variation 4749292 (VCV004749292.1).